The following is an entry in ClinVar:

ClinVar aggregate classification (germline): Uncertain significance (1 of 4 stars; one submission).

Submission:

GeneDx
Classification: Uncertain significance. Last evaluated: 2025-01-23. Review status: criteria provided, single submitter. Criteria: GeneDx Variant Classification Process June 2021. Collection method: clinical testing. Allele origin: germline. Affected: yes.
Comment: Not observed at significant frequency in large population cohorts (gnomAD); In silico analysis indicates that this missense variant does not alter protein structure/function; Has not been previously published as pathogenic or benign to our knowledge

NM_000942.5(PPIB):c.83C>T (p.Pro28Leu)

Gene: PPIB (peptidylprolyl isomerase B; minus strand). Cytogenetic location: 15q22.31.
Variant type: single nucleotide variant.
Coding change: c.83C>T on transcript NM_000942.5 (MANE Select); coding-DNA position 83, C replaced by T.
Protein change: p.Pro28Leu; replaces proline 28 with leucine.
Molecular consequence: missense variant.
Genome position (GRCh38, 1-based): chr15:64,162,904, G>A on the plus strand (C>T on the coding strand, the complement: PPIB is on the minus strand). VCF-style: chr15-64162904-G-A. GRCh37 (hg19) VCF-style: chr15-64455103-G-A.
Other names: short protein forms P28L.
Identifiers: ClinVar variation 4071858 (VCV004071858.1).